The following is an entry in ClinVar:

NM_001371596.2(MFSD8):c.910C>T (p.Gln304Ter)

Gene: MFSD8 (major facilitator superfamily domain containing 8; minus strand). Cytogenetic location: 4q28.2.
Variant type: single nucleotide variant.
Coding change: c.910C>T on transcript NM_001371596.2 (MANE Select); coding-DNA position 910, C replaced by T.
Protein change: p.Gln304Ter; replaces glutamine 304 with a stop codon.
Molecular consequence: nonsense.
Genome position (GRCh38, 1-based): chr4:127,930,771, G>A on the plus strand (C>T on the coding strand, the complement: MFSD8 is on the minus strand). VCF-style: chr4-127930771-G-A. GRCh37 (hg19) VCF-style: chr4-128851926-G-A.
Other names: c.709C>T, p.Gln237Ter (NM_001363520.3); c.595C>T, p.Gln199Ter (NM_001363521.3); c.775C>T, p.Gln259Ter (NM_001371590.2); c.910C>T, p.Gln304Ter (NM_001371591.2, NM_152778.4); c.916C>T, p.Gln306Ter (NM_001371592.2); c.796C>T, p.Gln266Ter (NM_001371593.2, NM_001410766.1); c.763C>T, p.Gln255Ter (NM_001371594.2); c.628C>T, p.Gln210Ter (NM_001371595.1); and 2 more; short protein forms Q210*, Q255*, Q259*, Q266*, Q306*, Q154*, Q199*, Q237*.
Identifiers: ClinVar variation 3590143 (VCV003590143.2).
Genomic context (GRCh38, chr4:127,930,771, plus strand): 5'-AAATAACAACGGCTTCAACCCCAAGAGCAGCAAGTATTATGCCATTATATAACACAGCTT[G>A]TTCTTGAGTCCAGGCATACATATCCATTGTTAATGGAGTAATGATGCTAAGAAAAAAAAA-3'

ClinVar aggregate classification (germline): Pathogenic/Likely pathogenic. Review status: criteria provided, multiple submitters, no conflicts (2 of 4 stars). 2 submissions from 2 submitters: Pathogenic (1); Likely pathogenic (1). Last evaluated 2025-09-20.

Conditions:
Macular dystrophy with central cone involvement (CCMD). Identifiers: MedGen C4015371, MONDO:0014515, OMIM 616170.
Neuronal ceroid lipofuscinosis 7 (CLN7). Also called: MFSD8-Related Neuronal Ceroid-Lipofuscinosis. Identifiers: Orphanet 168491, Orphanet 228366, MedGen C1838571, MONDO:0012588, OMIM 610951.

Submissions (2):

Labcorp Genetics (formerly Invitae), Labcorp
Classification: Pathogenic for Neuronal ceroid lipofuscinosis 7. Last evaluated: 2025-09-20. Review status: criteria provided, single submitter. Criteria: Invitae Variant Classification Sherloc (09022015). Collection method: clinical testing. Allele origin: germline.
Comment: This sequence change creates a premature translational stop signal (p.Gln304*) in the MFSD8 gene. It is expected to result in an absent or disrupted protein product. Loss-of-function variants in MFSD8 are known to be pathogenic (PMID: 19177532, 25227500, 28586915). This variant is not present in population databases (gnomAD no frequency). This variant has not been reported in the literature in individuals affected with MFSD8-related conditions. ClinVar contains an entry for this variant (Variation ID: 3590143). For these reasons, this variant has been classified as Pathogenic.

Fulgent Genetics
Classification: Likely pathogenic for Neuronal ceroid lipofuscinosis 7; Macular dystrophy with central cone involvement. Last evaluated: 2024-01-02. Review status: criteria provided, single submitter. Criteria: ACMG Guidelines, 2015. Collection method: clinical testing. Allele origin: germline.

Literature cited by the submitters: PubMed 19177532 (cited by Labcorp Genetics (formerly Invitae), Labcorp); PubMed 25227500 (cited by Labcorp Genetics (formerly Invitae), Labcorp); PubMed 28586915 (cited by Labcorp Genetics (formerly Invitae), Labcorp).